The following is an entry in ClinVar:

NM_001372044.2(SHANK3):c.3765C>A (p.Val1255=)

Gene: SHANK3 (SH3 and multiple ankyrin repeat domains 3; plus strand). Cytogenetic location: 22q13.33.
Variant type: single nucleotide variant.
Coding change: c.3765C>A on transcript NM_001372044.2 (MANE Select); coding-DNA position 3765, C replaced by A.
Protein change: p.Val1255=; no amino-acid change (valine 1255 retained).
Molecular consequence: synonymous variant.
Genome position (GRCh38, 1-based): chr22:50,721,373, C>A. VCF-style: chr22-50721373-C-A. GRCh37 (hg19) VCF-style: chr22-51159801-C-A.
Other names: c.3540C>A, p.Val1180= (NM_033517.1).
Identifiers: ClinVar variation 3041227 (VCV003041227.2), dbSNP rs375519968, ClinGen allele CA10326061.
Genomic context (GRCh38, chr22:50,721,373, plus strand): 5'-TTTCTCCCCACGGAGCCCAGCCTGGATTCCTGTGCCTGCTCGCAGGGAGGCAGAGAAGGT[C>A]CCCCGGGAGGAGCGGAAGTCACCCGAGGACAAGAAGTCCATGATCCTCAGCGTCCTGGAC-3'
Protein context (NP_001358973.1, residues 1245-1265): PVPARREAEK[Val1255=]PREERKSPED

ClinVar aggregate classification (germline): Likely benign (0 of 4 stars; one submission).

Conditions:
SHANK3-related disorder. Also called: SHANK3-related condition.

Allele frequency attached by ClinVar (database versions not stated): 1000 Genomes Project 0.00020; 1000 Genomes Project 30x 0.00031.

Submission:

PreventionGenetics, part of Exact Sciences
Classification: Likely benign for SHANK3-related condition. Last evaluated: 2023-06-02. Review status: no assertion criteria provided. Collection method: clinical testing. Allele origin: germline.
Comment: This variant is classified as likely benign based on ACMG/AMP sequence variant interpretation guidelines (Richards et al. 2015 PMID: 25741868, with internal and published modifications).